The following is an entry in ClinVar:

NM_006180.6(NTRK2):c.615C>T (p.Asn205=)

Gene: NTRK2 (neurotrophic receptor tyrosine kinase 2; plus strand). Cytogenetic location: 9q21.33.
Variant type: single nucleotide variant.
Coding change: c.615C>T on transcript NM_006180.6 (MANE Select); coding-DNA position 615, C replaced by T.
Protein change: p.Asn205=; no amino-acid change (asparagine 205 retained).
Molecular consequence: synonymous variant.
Genome position (GRCh38, 1-based): chr9:84,723,604, C>T. VCF-style: chr9-84723604-C-T. GRCh37 (hg19) VCF-style: chr9-87338519-C-T.
Other names: c.615C>T, p.Asn205= (NM_001007097.3, NM_001018064.3, NM_001018065.2 and 18 more transcripts); c.147C>T, p.Asn49= (NM_001369535.1, NM_001369536.1, NM_001369550.1 and 2 more transcripts).
Identifiers: ClinVar variation 3358097 (VCV003358097.1).

ClinVar aggregate classification (germline): Likely benign (0 of 4 stars; one submission).

Conditions:
NTRK2-related disorder. Also called: NTRK2-related condition.

gnomAD v4.1: 41 of 1,614,022 alleles (0.0025%); highest among the groups gnomAD compares: Non-Finnish European, 0.0034%; no homozygotes.

Submission:

PreventionGenetics, part of Exact Sciences
Classification: Likely benign for NTRK2-related condition. Last evaluated: 2021-06-07. Review status: no assertion criteria provided. Collection method: clinical testing. Allele origin: germline.
Comment: This variant is classified as likely benign based on ACMG/AMP sequence variant interpretation guidelines (Richards et al. 2015 PMID: 25741868, with internal and published modifications).